The following is an entry in ClinVar:

ClinVar aggregate classification (germline): Uncertain significance (1 of 4 stars; one submission).

Allele frequency attached by ClinVar (database versions not stated): gnomAD exomes 0.00001.
gnomAD v4.1: 9 of 1,614,132 alleles (0.00056%); highest among the groups gnomAD compares: Non-Finnish European, 0.00076%; no homozygotes.

Submission:

Labcorp Genetics (formerly Invitae), Labcorp
Classification: Uncertain significance. Last evaluated: 2023-10-22. Review status: criteria provided, single submitter. Criteria: Invitae Variant Classification Sherloc (09022015). Collection method: clinical testing. Allele origin: germline.
Comment: This sequence change replaces glutamine, which is neutral and polar, with arginine, which is basic and polar, at codon 112 of the GJB3 protein (p.Gln112Arg). This variant is not present in population databases (gnomAD no frequency). This variant has not been reported in the literature in individuals affected with GJB3-related conditions. Advanced modeling of protein sequence and biophysical properties (such as structural, functional, and spatial information, amino acid conservation, physicochemical variation, residue mobility, and thermodynamic stability) performed at Invitae indicates that this missense variant is not expected to disrupt GJB3 protein function. In summary, the available evidence is currently insufficient to determine the role of this variant in disease. Therefore, it has been classified as a Variant of Uncertain Significance.

NM_024009.3(GJB3):c.335A>G (p.Gln112Arg)

Gene: GJB3 (gap junction protein beta 3; plus strand). Cytogenetic location: 1p34.3.
Variant type: single nucleotide variant.
Coding change: c.335A>G on transcript NM_024009.3 (MANE Select); coding-DNA position 335, A replaced by G.
Protein change: p.Gln112Arg; replaces glutamine 112 with arginine.
Molecular consequence: missense variant.
Genome position (GRCh38, 1-based): chr1:34,785,097, A>G. VCF-style: chr1-34785097-A-G. GRCh37 (hg19) VCF-style: chr1-35250698-A-G.
Other names: c.335A>G, p.Gln112Arg (NM_001005752.2); short protein forms Q112R.
Identifiers: ClinVar variation 2794231 (VCV002794231.3), dbSNP rs2521972705, ClinGen allele CA339313244.